The following is an entry in ClinVar:

ClinVar aggregate classification (germline): Uncertain significance (1 of 4 stars; one submission).

Conditions:
Retinoblastoma (RB1). Also called: RETINOBLASTOMA, SOMATIC. Identifiers: Orphanet 790, MedGen C0035335, MeSH D012175, MONDO:0008380, OMIM 180200, HP:0009919. Disease mechanism: loss of function. Inheritance: Both sporadic and heritable forms are tested..

gnomAD v4.1: 1 of 1,563,124 alleles (0.000064%); highest among the groups gnomAD compares: East Asian, 0.0022%; no homozygotes.

Submission:

Labcorp Genetics (formerly Invitae), Labcorp
Classification: Uncertain significance for Retinoblastoma. Last evaluated: 2024-10-20. Review status: criteria provided, single submitter. Criteria: Invitae Variant Classification Sherloc (09022015). Collection method: clinical testing. Allele origin: germline.
Comment: This sequence change falls in intron 3 of the RB1 gene. It does not directly change the encoded amino acid sequence of the RB1 protein. It affects a nucleotide within the consensus splice site. This variant is not present in population databases (gnomAD no frequency). This variant has not been reported in the literature in individuals affected with RB1-related conditions. Variants that disrupt the consensus splice site are a relatively common cause of aberrant splicing (PMID: 17576681, 9536098). Algorithms developed to predict the effect of sequence changes on RNA splicing suggest that this variant is not likely to affect RNA splicing. In summary, the available evidence is currently insufficient to determine the role of this variant in disease. Therefore, it has been classified as a Variant of Uncertain Significance.

Literature cited by the submitters: PubMed 17576681; PubMed 9536098.

NM_000321.3(RB1):c.380+6G>C

Gene: RB1 (RB transcriptional corepressor 1; plus strand). Cytogenetic location: 13q14.2.
Variant type: single nucleotide variant.
Coding change: c.380+6G>C on transcript NM_000321.3 (MANE Select); 6 bases into the intron after coding-DNA position 380, G replaced by C.
Molecular consequence: intron variant.
Genome position (GRCh38, 1-based): chr13:48,342,720, G>C. VCF-style: chr13-48342720-G-C. GRCh37 (hg19) VCF-style: chr13-48916856-G-C.
Other names: c.380+6G>C (NM_001407165.1, NM_001407166.1).
Identifiers: ClinVar variation 3686389 (VCV003686389.2).
Genomic context (GRCh38, chr13:48,342,720, plus strand): 5'-ACCTAGATGAGATGTCGTTCACTTTTACTGAGCTACAGAAAAACATAGAAATCAGGTAAA[G>C]TTTCTTGTATAAATATAAGCCTCTGCCATAAAAGGAAACGAATTCTGGATTTTCCTCTCA-3'